The following is an entry in ClinVar:

NM_001127511.3(APC):c.81del (p.Gly28fs)

Gene: APC (APC regulator of Wnt signaling pathway; plus strand). Cytogenetic location: 5q22.2.
Variant type: Deletion.
Coding change: c.81del on transcript NM_001127511.3; coding-DNA position 81, one base deleted (C; older notation c.81delC).
Protein change: p.Gly28fs; shifts the reading frame from glycine 28.
Molecular consequence: frameshift variant. On other transcripts: 5 prime UTR variant (8), non-coding transcript variant (1), intron variant (5).
Genome position (GRCh38, 1-based): chr5:112,707,798, C deleted; the last of 2 consecutive C bases (chr5:112,707,797-112,707,798); deleting either gives the same sequence. VCF-style (leftmost placement, unchanged base first): chr5-112707796-AC-A. GRCh37 (hg19) VCF-style: chr5-112043493-AC-A.
Other names: c.-103del (NM_001354895.2, NM_001407447.1, NM_001407452.1 and 3 more transcripts); c.81del, p.Gly28fs (NM_001354897.2, NM_001354902.2, NM_001407446.1); c.-1138del (NM_001407470.1, NM_001407472.1); c.-19+149del (NM_001407448.1, NM_001407450.1, NM_001407457.1 and 1 more transcripts); c.-43+149del (NM_001407453.1); short protein forms G28fs.
Identifiers: ClinVar variation 1992968 (VCV001992968.4), dbSNP rs2531740740, ClinGen allele CA2580072330.
Genomic context (GRCh38, chr5:112,707,796, plus strand): 5'-TCGGGTCCGGTCGCCCCTTTGCCCGCTTCTGTACCACCCTCAGTTCTCGGGTCCTGGAGC[AC>A]CGGCGGCAGCAGGAGCTGCGTCCGGCAGGAGACGAAGAGCCCGGGCGGCGCTCGTACTTC-3'

ClinVar aggregate classification (germline): Uncertain significance (1 of 4 stars; one submission).

Conditions:
Familial adenomatous polyposis 1 (FAP1). Also called: FAMILIAL ADENOMATOUS POLYPOSIS 1, ATTENUATED; POLYPOSIS, ADENOMATOUS INTESTINAL. Identifiers: MedGen C2713442, MONDO:0021056, OMIM 175100. Disease mechanism: loss of function.

Submission:

Labcorp Genetics (formerly Invitae), Labcorp
Classification: Uncertain significance for Familial adenomatous polyposis 1. Last evaluated: 2022-05-12. Review status: criteria provided, single submitter. Criteria: Invitae Variant Classification Sherloc (09022015). Collection method: clinical testing. Allele origin: germline.
Comment: In summary, the available evidence is currently insufficient to determine the role of this variant in disease. Therefore, it has been classified as a Variant of Uncertain Significance. Experimental studies and prediction algorithms are not available or were not evaluated, and the functional significance of this variant is currently unknown. This variant has not been reported in the literature in individuals affected with APC-related conditions. This variant is not present in population databases (gnomAD no frequency). This variant occurs in a non-coding region of the APC gene. It does not change the encoded amino acid sequence of the APC protein.